The following is an entry in ClinVar:

ClinVar aggregate classification (germline): Uncertain significance. Review status: criteria provided, multiple submitters, no conflicts (2 of 4 stars). 4 submissions from 4 submitters: Uncertain significance (3). 1 of the submissions does not count toward it. Last evaluated 2025-06-13.

Conditions:
Hereditary cancer-predisposing syndrome. Also called: Neoplastic Syndromes, Hereditary; Tumor predisposition; Hereditary neoplastic syndrome; Hereditary Cancer Syndrome. Identifiers: Orphanet 140162, MedGen C0027672, MeSH D009386, MONDO:0015356.
HOXB13-related disorder. Also called: HOXB13-related condition; HOXB13-related disorders.

Allele frequency attached by ClinVar (database versions not stated): gnomAD exomes below 0.00001; TOPMed 0.00002.
gnomAD v4.1: 2 of 1,612,902 alleles (0.00012%); highest among the groups gnomAD compares: Non-Finnish European, 0.00017%; no homozygotes.

Submissions (4):

Quest Diagnostics Nichols Institute San Juan Capistrano
Classification: Uncertain significance. Last evaluated: 2025-06-13. Review status: criteria provided, single submitter. Criteria: Quest Diagnostics criteria. Collection method: clinical testing. Allele origin: unknown.
Comment: The HOXB13 c.665C>T (p.Pro222Leu) variant has been reported in the published literature in individuals with biliary tract cancer (PMID: 36072793 (2022)) and breast cancer (PMID: 31854063 (2020)). This variant has not been reported in large, multi-ethnic general populations (Genome Aggregation Database). Analysis of this variant using bioinformatics tools for the prediction of the effect of amino acid changes on protein structure and function yielded predictions that this variant is damaging. Based on the available information, we are unable to determine the clinical significance of this variant.

Labcorp Genetics (formerly Invitae), Labcorp
Classification: Uncertain significance. Last evaluated: 2025-06-03. Review status: criteria provided, single submitter. Criteria: Invitae Variant Classification Sherloc (09022015). Collection method: clinical testing. Allele origin: germline.
Comment: This sequence change replaces proline, which is neutral and non-polar, with leucine, which is neutral and non-polar, at codon 222 of the HOXB13 protein (p.Pro222Leu). This variant is not present in population databases (gnomAD no frequency). This variant has not been reported in the literature in individuals affected with HOXB13-related conditions. ClinVar contains an entry for this variant (Variation ID: 826537). Invitae Evidence Modeling of protein sequence and biophysical properties (such as structural, functional, and spatial information, amino acid conservation, physicochemical variation, residue mobility, and thermodynamic stability) indicates that this missense variant is not expected to disrupt HOXB13 protein function with a negative predictive value of 80%. In summary, the available evidence is currently insufficient to determine the role of this variant in disease. Therefore, it has been classified as a Variant of Uncertain Significance.

Ambry Genetics
Classification: Uncertain significance for Hereditary cancer-predisposing syndrome. Last evaluated: 2025-05-10. Review status: criteria provided, single submitter. Criteria: Ambry Variant Classification Scheme 2023. Collection method: clinical testing. Allele origin: germline.
Comment: The p.P222L variant (also known as c.665C>T), located in coding exon 2 of the HOXB13 gene, results from a C to T substitution at nucleotide position 665. The proline at codon 222 is replaced by leucine, an amino acid with similar properties. This amino acid position is highly conserved in available vertebrate species. In addition, this alteration is predicted to be deleterious by in silico analysis. Since supporting evidence is limited at this time, the clinical significance of this alteration remains unclear.

PreventionGenetics, part of Exact Sciences
Classification: Uncertain significance for HOXB13-related condition. Last evaluated: 2024-04-04. Review status: no assertion criteria provided. Collection method: clinical testing. Allele origin: germline. Not counted in ClinVar's aggregate classification.
Comment: The HOXB13 c.665C>T variant is predicted to result in the amino acid substitution p.Pro222Leu. To our knowledge, this variant has not been reported in the literature or in a large population database, indicating this variant is rare. This variant has been reported in ClinVar as uncertain. At this time, the clinical significance of this variant is uncertain due to the absence of conclusive functional and genetic evidence.

Literature cited by the submitters: PubMed 36072793 (cited by Quest Diagnostics Nichols Institute San Juan Capistrano); PubMed 31854063 (cited by Quest Diagnostics Nichols Institute San Juan Capistrano); PubMed 26997480 (cited by Quest Diagnostics Nichols Institute San Juan Capistrano).

NM_006361.6(HOXB13):c.665C>T (p.Pro222Leu)

Gene: HOXB13 (homeobox B13; minus strand). Cytogenetic location: 17q21.32.
Variant type: single nucleotide variant.
Coding change: c.665C>T on transcript NM_006361.6 (MANE Select); coding-DNA position 665, C replaced by T.
Protein change: p.Pro222Leu; replaces proline 222 with leucine.
Molecular consequence: missense variant.
Genome position (GRCh38, 1-based): chr17:48,726,980, G>A on the plus strand (C>T on the coding strand, the complement: HOXB13 is on the minus strand). VCF-style: chr17-48726980-G-A. GRCh37 (hg19) VCF-style: chr17-46804342-G-A.
Other names: short protein forms P222L.
Identifiers: ClinVar variation 826537 (VCV000826537.14), dbSNP rs770172581, ClinGen allele CA400106761.